The following is an entry in ClinVar:

NM_006947.4(SRP72):c.1928C>T (p.Pro643Leu)

Gene: SRP72 (signal recognition particle 72; plus strand). Cytogenetic location: 4q12.
Variant type: single nucleotide variant.
Coding change: c.1928C>T on transcript NM_006947.4 (MANE Select); coding-DNA position 1928, C replaced by T.
Protein change: p.Pro643Leu; replaces proline 643 with leucine.
Molecular consequence: missense variant. On other transcripts: non-coding transcript variant (1).
Genome position (GRCh38, 1-based): chr4:56,501,773, C>T. VCF-style: chr4-56501773-C-T. GRCh37 (hg19) VCF-style: chr4-57367939-C-T.
Other names: c.1745C>T, p.Pro582Leu (NM_001267722.2); short protein forms P643L, P582L.
Identifiers: ClinVar variation 1911458 (VCV001911458.5), dbSNP rs2545778173, ClinGen allele CA357003710.

ClinVar aggregate classification (germline): Uncertain significance (1 of 4 stars; one submission).

Allele frequency attached by ClinVar (database versions not stated): gnomAD exomes below 0.00001.
gnomAD v4.1: 2 of 1,614,016 alleles (0.00012%); highest among the groups gnomAD compares: Admixed American, 0.0017%; no homozygotes.

Submission:

Labcorp Genetics (formerly Invitae), Labcorp
Classification: Uncertain significance. Last evaluated: 2025-03-31. Review status: criteria provided, single submitter. Criteria: Invitae Variant Classification Sherloc (09022015). Collection method: clinical testing. Allele origin: germline.
Comment: This sequence change replaces proline, which is neutral and non-polar, with leucine, which is neutral and non-polar, at codon 643 of the SRP72 protein (p.Pro643Leu). This variant is not present in population databases (gnomAD no frequency). This variant has not been reported in the literature in individuals affected with SRP72-related conditions. ClinVar contains an entry for this variant (Variation ID: 1911458). An algorithm developed to predict the effect of missense changes on protein structure and function (PolyPhen-2) suggests that this variant is likely to be disruptive. In summary, the available evidence is currently insufficient to determine the role of this variant in disease. Therefore, it has been classified as a Variant of Uncertain Significance.